The following is an entry in ClinVar:

NC_000020.10:g.(?_8608931)_(8639361_?)del

Gene: PLCB1 (phospholipase C beta 1; plus strand). Cytogenetic location: 20p12.3.
Variant type: Deletion.
Identifiers: ClinVar variation 1070278 (VCV001070278.7).

ClinVar aggregate classification (germline): Pathogenic (1 of 4 stars; one submission).

Conditions:
Developmental and epileptic encephalopathy, 12 (DEE12). Identifiers: MedGen C3150988, MONDO:0013389, OMIM 613722.

Submission:

Labcorp Genetics (formerly Invitae), Labcorp
Classification: Pathogenic for Developmental and epileptic encephalopathy, 12. Last evaluated: 2020-05-24. Review status: criteria provided, single submitter. Criteria: Invitae Variant Classification Sherloc (09022015). Collection method: clinical testing. Allele origin: germline.
Comment: For these reasons, this variant has been classified as Pathogenic. Loss-of-function variants in PLCB1 are known to be pathogenic (PMID: 24684524). This variant has not been reported in the literature in individuals with PLCB1-related conditions. This variant is an out-of-frame deletion of the genomic region encompassing exon(s) 4-9 of the PLCB1 gene. This is expected to create a premature translational stop signal and result in an absent or disrupted protein product.

Literature cited by the submitters: PubMed 24684524.